The following is an entry in ClinVar:

ClinVar aggregate classification (germline): Uncertain significance (1 of 4 stars; one submission).

Conditions:
Peroxisome biogenesis disorder, complementation group K (CGK). Identifiers: MedGen C1866257, MONDO:0800365.

Submission:

Labcorp Genetics (formerly Invitae), Labcorp
Classification: Uncertain significance for Peroxisome biogenesis disorder, complementation group K. Last evaluated: 2021-08-23. Review status: criteria provided, single submitter. Criteria: Invitae Variant Classification Sherloc (09022015). Collection method: clinical testing. Allele origin: germline.
Comment: Algorithms developed to predict the effect of missense changes on protein structure and function output the following: SIFT: "Tolerated"; PolyPhen-2: "Benign"; Align-GVGD: "Class C0". The histidine amino acid residue is found in multiple mammalian species, which suggests that this missense change does not adversely affect protein function. This variant is not present in population databases (ExAC no frequency). This variant has not been reported in the literature in individuals affected with PEX14-related conditions. In summary, the available evidence is currently insufficient to determine the role of this variant in disease. Therefore, it has been classified as a Variant of Uncertain Significance. This sequence change replaces tyrosine with histidine at codon 99 of the PEX14 protein (p.Tyr99His). The tyrosine residue is moderately conserved and there is a moderate physicochemical difference between tyrosine and histidine.

NM_004565.3(PEX14):c.295T>C (p.Tyr99His)

Gene: PEX14 (peroxisomal biogenesis factor 14; plus strand). Cytogenetic location: 1p36.22.
Variant type: single nucleotide variant.
Coding change: c.295T>C on transcript NM_004565.3 (MANE Select); coding-DNA position 295, T replaced by C.
Protein change: p.Tyr99His; replaces tyrosine 99 with histidine.
Molecular consequence: missense variant.
Genome position (GRCh38, 1-based): chr1:10,599,363, T>C. VCF-style: chr1-10599363-T-C. GRCh37 (hg19) VCF-style: chr1-10659420-T-C.
Other names: short protein forms Y99H.
Identifiers: ClinVar variation 1475648 (VCV001475648.6), dbSNP rs2124602853, ClinGen allele CA338690550.